The following is an entry in ClinVar:

NM_016556.4(PSMC3IP):c.478G>A (p.Glu160Lys)

Gene: PSMC3IP (PSMC3 interacting protein; minus strand). Cytogenetic location: 17q21.2.
Variant type: single nucleotide variant.
Coding change: c.478G>A on transcript NM_016556.4 (MANE Select); coding-DNA position 478, G replaced by A.
Protein change: p.Glu160Lys; replaces glutamic acid 160 with lysine.
Molecular consequence: missense variant. On other transcripts: non-coding transcript variant (3).
Genome position (GRCh38, 1-based): chr17:42,573,483, C>T on the plus strand (G>A on the coding strand, the complement: PSMC3IP is on the minus strand). VCF-style: chr17-42573483-C-T. GRCh37 (hg19) VCF-style: chr17-40725501-C-T.
Other names: c.289G>A, p.Glu97Lys (NM_001256014.2); c.241G>A, p.Glu81Lys (NM_001256015.2, NM_001256016.2); c.442G>A, p.Glu148Lys (NM_013290.7); short protein forms E148K, E160K, E81K, E97K.
Identifiers: ClinVar variation 3426957 (VCV003426957.2).
Genomic context (GRCh38, chr17:42,573,483, plus strand): 5'-CAGCCCTGATGTTCACTCTGGACCTGCACAGCGGTCCTACAGCCTTCCAGCTCACCTGCT[C>T]TTTCTCTTCTGGAGTCACATGATTGGTAGCTGCTTTAATGTTCTTCAATCTCTCTCTGTA-3'
Protein context (NP_057640.1, residues 150-170): ATNHVTPEEK[Glu160Lys]QVYRERQKYC

ClinVar aggregate classification (germline): Uncertain significance. Review status: criteria provided, multiple submitters, no conflicts (2 of 4 stars). 2 submissions from 2 submitters: Uncertain significance (2). Last evaluated 2025-06-12.

Submissions (2):

GeneDx
Classification: Uncertain significance. Last evaluated: 2025-06-12. Review status: criteria provided, single submitter. Criteria: GeneDx Variant Classification Process June 2021. Collection method: clinical testing. Allele origin: germline. Affected: yes.
Comment: Not observed at significant frequency in large population cohorts (gnomAD); In silico analysis suggests that this missense variant does not alter protein structure/function; Has not been previously published as pathogenic or benign to our knowledge

Ambry Genetics
Classification: Uncertain significance. Last evaluated: 2024-10-25. Review status: criteria provided, single submitter. Criteria: Ambry Variant Classification Scheme 2023. Collection method: clinical testing. Allele origin: germline.